The following is an entry in ClinVar:

GRCh37/hg19 8p23.3-23.1(chr8:158049-11898696)x1

Genes: C8orf74 (chromosome 8 open reading frame 74), CLDN23 (claudin 23), CLN8 (CLN8 transmembrane ER and ERGIC protein; plus strand), CSMD1 (CUB and Sushi multiple domains 1; minus strand), CTSB (cathepsin B) and 61 more. Cytogenetic location: 8p23.3-23.1.
Variant type: copy number loss.
Change: copy number 1 (one copy instead of two) of chr8:158,049-11,898,696 (11.74 Mb, GRCh37 coordinates, 1-based), cytogenetic band 8p23.3-23.1.
Identifiers: ClinVar variation 2685282 (VCV002685282.1).

ClinVar aggregate classification (germline): Pathogenic (1 of 4 stars; one submission).

Submission:

Quest Diagnostics Nichols Institute San Juan Capistrano
Classification: Pathogenic. Last evaluated: 2022-07-22. Review status: criteria provided, single submitter. Criteria: ACMG/ClinGen CNV Guidelines, 2019. Collection method: clinical testing. Allele origin: unknown.
Comment: The terminal deletion of 8p involves many genes, and includes the chromosome 8p23.1 deletion syndrome region (Rhem 2015; Shimokawa, et al., Am J Med Genet A. 2005;136;49-51; PMID: 15937941; Ballarati et al., Eur J Med Genet. 2011 Jan-Feb;54(1):55-9. PMID: 20969981; Priest et al., PLoS Genet. 2016 Apr 8;12(4):e1005963. PMID: 27058611; Keitges EA, et al., Am J Med Genet A. 2013 Jul;161A(7):1755-8; PMID: 23696316). Patients with comparable or smaller deletions of this region show a variable phenotype (Shi et al. Mol Med Rep. 2017 Nov;16(5):6837-6845. PMID: 28901431; Burnside et al. Am J Med Genet A. 2013 Apr;161A(4):822-8. PMID: 23495222; Chien et al. Clin Genet. 2010 Nov;78(5):449-56. PMID: 20236125).